The following is an entry in ClinVar:

ClinVar aggregate classification (germline): Uncertain significance (1 of 4 stars; one submission).

Submission:

Labcorp Genetics (formerly Invitae), Labcorp
Classification: Uncertain significance. Last evaluated: 2025-01-23. Review status: criteria provided, single submitter. Criteria: Invitae Variant Classification Sherloc (09022015). Collection method: clinical testing. Allele origin: germline.
Comment: This sequence change replaces glutamine, which is neutral and polar, with proline, which is neutral and non-polar, at codon 321 of the RNF13 protein (p.Gln321Pro). This variant is not present in population databases (gnomAD no frequency). This variant has not been reported in the literature in individuals affected with RNF13-related conditions. An algorithm developed to predict the effect of missense changes on protein structure and function (PolyPhen-2) suggests that this variant is likely to be tolerated. In summary, the available evidence is currently insufficient to determine the role of this variant in disease. Therefore, it has been classified as a Variant of Uncertain Significance.

NM_183381.3(RNF13):c.962A>C (p.Gln321Pro)

Gene: RNF13 (ring finger protein 13; plus strand). Cytogenetic location: 3q25.1.
Variant type: single nucleotide variant.
Coding change: c.962A>C on transcript NM_183381.3 (MANE Select); coding-DNA position 962, A replaced by C.
Protein change: p.Gln321Pro; replaces glutamine 321 with proline.
Molecular consequence: missense variant. On other transcripts: non-coding transcript variant (1).
Genome position (GRCh38, 1-based): chr3:149,960,920, A>C. VCF-style: chr3-149960920-A-C. GRCh37 (hg19) VCF-style: chr3-149678707-A-C.
Other names: c.962A>C, p.Gln321Pro (NM_001378285.1, NM_001378286.1, NM_007282.4); c.605A>C, p.Gln202Pro (NM_001378287.1, NM_001378288.1, NM_001378289.1 and 2 more transcripts); c.569A>C, p.Gln190Pro (NM_001378291.1); short protein forms Q190P, Q202P, Q321P.
Identifiers: ClinVar variation 3729489 (VCV003729489.2).